The following is an entry in ClinVar:

ClinVar aggregate classification (germline): Uncertain significance (1 of 4 stars; one submission).

Conditions:
Cardiovascular phenotype. Identifiers: MedGen CN230736.

Submission:

Ambry Genetics
Classification: Uncertain significance for Cardiovascular phenotype. Last evaluated: 2026-04-23. Review status: criteria provided, single submitter. Criteria: Ambry Variant Classification Scheme 2023. Collection method: clinical testing. Allele origin: germline.
Comment: The p.T2010A variant (also known as c.6028A>G), located in coding exon 26 of the APOB gene, results from an A to G substitution at nucleotide position 6028. The threonine at codon 2010 is replaced by alanine, an amino acid with similar properties. This amino acid position is conserved. In addition, this alteration is predicted to be tolerated by in silico analysis. Based on the available evidence, the clinical significance of this variant remains unclear.

NM_000384.3(APOB):c.6028A>G (p.Thr2010Ala)

Gene: APOB (apolipoprotein B; minus strand). Cytogenetic location: 2p24.1.
Variant type: single nucleotide variant.
Coding change: c.6028A>G on transcript NM_000384.3 (MANE Select); coding-DNA position 6028, A replaced by G.
Protein change: p.Thr2010Ala; replaces threonine 2010 with alanine.
Molecular consequence: missense variant.
Genome position (GRCh38, 1-based): chr2:21,010,840, T>C on the plus strand (A>G on the coding strand, the complement: APOB is on the minus strand). VCF-style: chr2-21010840-T-C. GRCh37 (hg19) VCF-style: chr2-21233712-T-C.
Other names: short protein forms T2010A.
Identifiers: ClinVar variation 4862614 (VCV004862614.1).